The following is an entry in ClinVar:

NM_145246.5(FRA10AC1):c.560A>G (p.Lys187Arg)

Gene: FRA10AC1 (FRA10A associated CGG repeat 1; minus strand). Cytogenetic location: 10q23.33.
Variant type: single nucleotide variant.
Coding change: c.560A>G on transcript NM_145246.5 (MANE Select); coding-DNA position 560, A replaced by G.
Protein change: p.Lys187Arg; replaces lysine 187 with arginine.
Molecular consequence: missense variant. On other transcripts: non-coding transcript variant (1).
Genome position (GRCh38, 1-based): chr10:93,685,311, T>C on the plus strand (A>G on the coding strand, the complement: FRA10AC1 is on the minus strand). VCF-style: chr10-93685311-T-C. GRCh37 (hg19) VCF-style: chr10-95445068-T-C.
Other names: c.560A>G, p.Lys187Arg (NM_001347712.2, NM_001347713.2, NM_001347714.2 and 1 more transcripts); short protein forms K187R.
Identifiers: ClinVar variation 2663156 (VCV002663156.1), dbSNP rs1194330815, ClinGen allele CA377634267.

ClinVar aggregate classification (germline): Uncertain significance (1 of 4 stars; one submission).

Allele frequency attached by ClinVar (database versions not stated): gnomAD 0.00001; gnomAD exomes 0.00001; TOPMed 0.00003.
gnomAD v4.1: 15 of 1,586,186 alleles (0.00095%); highest among the groups gnomAD compares: Admixed American, 0.0034%; no homozygotes.

Submission:

GeneDx
Classification: Uncertain significance. Last evaluated: 2023-04-07. Review status: criteria provided, single submitter. Criteria: GeneDx Variant Classification Process June 2021. Collection method: clinical testing. Allele origin: germline. Affected: yes.
Comment: Not observed at significant frequency in large population cohorts (gnomAD); In silico analysis supports that this missense variant does not alter protein structure/function; Has not been previously published as pathogenic or benign to our knowledge